The following is an entry in ClinVar:

NM_144670.6(A2ML1):c.251C>T (p.Pro84Leu)

Genes: A2ML1 (alpha-2-macroglobulin like 1; plus strand), A2ML1-AS1 (A2ML1 antisense RNA 1; minus strand). Cytogenetic location: 12p13.31.
Variant type: single nucleotide variant.
Coding change: c.251C>T on transcript NM_144670.6 (MANE Select); coding-DNA position 251, C replaced by T.
Protein change: p.Pro84Leu; replaces proline 84 with leucine.
Molecular consequence: missense variant.
Genome position (GRCh38, 1-based): chr12:8,823,724, C>T. VCF-style: chr12-8823724-C-T. GRCh37 (hg19) VCF-style: chr12-8976320-C-T.
Other names: short protein forms P84L.
Identifiers: ClinVar variation 1792510 (VCV001792510.5), dbSNP rs1451933643, ClinGen allele CA383818761.

ClinVar aggregate classification (germline): Uncertain significance. Review status: criteria provided, multiple submitters, no conflicts (2 of 4 stars). 2 submissions from 2 submitters: Uncertain significance (2). Last evaluated 2024-11-12.

Allele frequency attached by ClinVar (database versions not stated): gnomAD exomes below 0.00001; gnomAD 0.00001; TOPMed 0.00001.
gnomAD v4.1: 3 of 1,613,274 alleles (0.00019%); highest among the groups gnomAD compares: African/African-American, 0.0027%; no homozygotes.

Submissions (2):

Labcorp Genetics (formerly Invitae), Labcorp
Classification: Uncertain significance. Last evaluated: 2024-11-12. Review status: criteria provided, single submitter. Criteria: Invitae Variant Classification Sherloc (09022015). Collection method: clinical testing. Allele origin: germline.
Comment: This sequence change replaces proline, which is neutral and non-polar, with leucine, which is neutral and non-polar, at codon 84 of the A2ML1 protein (p.Pro84Leu). The frequency data for this variant in the population databases is considered unreliable, as metrics indicate poor data quality at this position in the gnomAD database. This variant has not been reported in the literature in individuals affected with A2ML1-related conditions. ClinVar contains an entry for this variant (Variation ID: 1792510). An algorithm developed to predict the effect of missense changes on protein structure and function (PolyPhen-2) suggests that this variant is likely to be disruptive. In summary, the available evidence is currently insufficient to determine the role of this variant in disease. Therefore, it has been classified as a Variant of Uncertain Significance.

Ambry Genetics
Classification: Uncertain significance. Last evaluated: 2024-06-04. Review status: criteria provided, single submitter. Criteria: Ambry Variant Classification Scheme 2023. Collection method: clinical testing. Allele origin: germline.
Comment: The p.P84L variant (also known as c.251C>T), located in coding exon 3 of the A2ML1 gene, results from a C to T substitution at nucleotide position 251. The proline at codon 84 is replaced by leucine, an amino acid with similar properties. This amino acid position is conserved. In addition, this alteration is predicted to be tolerated by in silico analysis. Since supporting evidence is limited at this time, the clinical significance of this alteration remains unclear.